The following is an entry in ClinVar:

NM_018180.3(DHX32):c.26C>T (p.Pro9Leu)

Gene: DHX32 (DEAH-box helicase 32 (putative); minus strand). Cytogenetic location: 10q26.2.
Variant type: single nucleotide variant.
Coding change: c.26C>T on transcript NM_018180.3 (MANE Select); coding-DNA position 26, C replaced by T.
Protein change: p.Pro9Leu; replaces proline 9 with leucine.
Molecular consequence: missense variant.
Genome position (GRCh38, 1-based): chr10:125,880,799, G>A on the plus strand (C>T on the coding strand, the complement: DHX32 is on the minus strand). VCF-style: chr10-125880799-G-A. GRCh37 (hg19) VCF-style: chr10-127569368-G-A.
Other names: short protein forms P9L.
Identifiers: ClinVar variation 2872140 (VCV002872140.3), dbSNP rs2494475941, ClinGen allele CA378669901.

ClinVar aggregate classification (germline): Uncertain significance (1 of 4 stars; one submission).

Submission:

Labcorp Genetics (formerly Invitae), Labcorp
Classification: Uncertain significance. Last evaluated: 2023-05-22. Review status: criteria provided, single submitter. Criteria: Invitae Variant Classification Sherloc (09022015). Collection method: clinical testing. Allele origin: germline.
Comment: This variant is not present in population databases (gnomAD no frequency). This variant has not been reported in the literature in individuals affected with DHX32-related conditions. Algorithms developed to predict the effect of missense changes on protein structure and function output the following: SIFT: "Not Available"; PolyPhen-2: "Benign"; Align-GVGD: "Not Available". The leucine amino acid residue is found in multiple mammalian species, which suggests that this missense change does not adversely affect protein function. In summary, the available evidence is currently insufficient to determine the role of this variant in disease. Therefore, it has been classified as a Variant of Uncertain Significance. This sequence change replaces proline, which is neutral and non-polar, with leucine, which is neutral and non-polar, at codon 9 of the DHX32 protein (p.Pro9Leu).